The following is an entry in ClinVar:

NM_177438.3(DICER1):c.1012G>A (p.Glu338Lys)

Gene: DICER1 (dicer 1, ribonuclease III; minus strand). Cytogenetic location: 14q32.13.
Variant type: single nucleotide variant.
Coding change: c.1012G>A on transcript NM_177438.3 (MANE Select); coding-DNA position 1012, G replaced by A.
Protein change: p.Glu338Lys; replaces glutamic acid 338 with lysine.
Molecular consequence: missense variant.
Genome position (GRCh38, 1-based): chr14:95,124,560, C>T on the plus strand (G>A on the coding strand, the complement: DICER1 is on the minus strand). VCF-style: chr14-95124560-C-T. GRCh37 (hg19) VCF-style: chr14-95590897-C-T.
Other names: c.1012G>A, p.Glu338Lys (NM_001195573.1, NM_001271282.3, NM_001291628.2 and 1 more transcripts); c.1012G>A (NM_177438.2); short protein forms E338K.
Identifiers: ClinVar variation 1381611 (VCV001381611.8), dbSNP rs2140206896, ClinGen allele CA390887163.

ClinVar aggregate classification (germline): Uncertain significance. Review status: criteria provided, multiple submitters, no conflicts (2 of 4 stars). 2 submissions from 2 submitters: Uncertain significance (2). Last evaluated 2024-04-27.

Conditions:
DICER1-related tumor predisposition. Also called: DICER1 syndrome; DICER1-related pleuropulmonary blastoma cancer predisposition syndrome. Identifiers: Orphanet 284343, MedGen C3839822, MONDO:0100216.
Hereditary cancer-predisposing syndrome. Also called: Tumor predisposition; Hereditary neoplastic syndrome; Neoplastic Syndromes, Hereditary; Hereditary Cancer Syndrome. Identifiers: Orphanet 140162, MedGen C0027672, MeSH D009386, MONDO:0015356.

Submissions (2):

Ambry Genetics
Classification: Uncertain significance for Hereditary cancer-predisposing syndrome. Last evaluated: 2024-04-27. Review status: criteria provided, single submitter. Criteria: Ambry Variant Classification Scheme 2023. Collection method: clinical testing. Allele origin: germline.
Comment: The p.E338K variant (also known as c.1012G>A), located in coding exon 7 of the DICER1 gene, results from a G to A substitution at nucleotide position 1012. The glutamic acid at codon 338 is replaced by lysine, an amino acid with similar properties. This amino acid position is conserved. In addition, the in silico prediction for this alteration is inconclusive. Based on the available evidence, the clinical significance of this variant remains unclear.

Labcorp Genetics (formerly Invitae), Labcorp
Classification: Uncertain significance for DICER1-related tumor predisposition. Last evaluated: 2021-09-16. Review status: criteria provided, single submitter. Criteria: Invitae Variant Classification Sherloc (09022015). Collection method: clinical testing. Allele origin: germline.
Comment: Algorithms developed to predict the effect of missense changes on protein structure and function are either unavailable or do not agree on the potential impact of this missense change (SIFT: "Tolerated"; PolyPhen-2: "Probably Damaging"; Align-GVGD: "Class C0"). This variant has not been reported in the literature in individuals affected with DICER1-related conditions. This variant is not present in population databases (ExAC no frequency). This sequence change replaces glutamic acid with lysine at codon 338 of the DICER1 protein (p.Glu338Lys). The glutamic acid residue is highly conserved and there is a small physicochemical difference between glutamic acid and lysine. In summary, the available evidence is currently insufficient to determine the role of this variant in disease. Therefore, it has been classified as a Variant of Uncertain Significance.